The following is an entry in ClinVar:

ClinVar aggregate classification (germline): Benign. Review status: criteria provided, multiple submitters, no conflicts (2 of 4 stars). 8 submissions from 8 submitters: Benign (8). Last evaluated 2026-09-01.

Conditions:
Familial focal epilepsy with variable foci (FPEVF). Identifiers: Orphanet 98820, MedGen C1858477, MONDO:0020310.
Inborn genetic diseases. Identifiers: MedGen C0950123, MeSH D030342.

Allele frequency attached by ClinVar (database versions not stated): 1000 Genomes Project 30x 0.00812; 1000 Genomes Project 0.00859; ExAC 0.01147; TOPMed 0.01149; gnomAD 0.01157 and 0.01176; ESP Exome Variant Server 0.01187; gnomAD exomes 0.01195 and 0.01356.
gnomAD v4.1: 21,578 of 1,614,024 alleles (1.3%); highest among the groups gnomAD compares: Middle Eastern, 1.9%; 191 homozygotes.

Submissions (8):

CeGaT Center for Human Genetics Tuebingen
Classification: Benign. Last evaluated: 2026-09-01. Review status: criteria provided, single submitter. Criteria: CeGaT Center For Human Genetics Tuebingen Variant Classification Criteria Version 2. Collection method: clinical testing. Allele origin: germline. Affected: yes. Observed: 57 variant alleles.
Comment: DEPDC5: BP4, BP7, BS1, BS2

Labcorp Genetics (formerly Invitae), Labcorp
Classification: Benign for Familial focal epilepsy with variable foci. Last evaluated: 2026-02-03. Review status: criteria provided, single submitter. Criteria: Invitae Variant Classification Sherloc (09022015). Collection method: clinical testing. Allele origin: germline.

Blueprint Genetics
Classification: Benign. Last evaluated: 2024-11-26. Review status: criteria provided, single submitter. Criteria: ACMG Guidelines, 2015. Collection method: clinical testing. Allele origin: germline.

GeneDx
Classification: Benign. Last evaluated: 2019-07-25. Review status: criteria provided, single submitter. Criteria: GeneDx Variant Classification Process June 2021. Collection method: clinical testing. Allele origin: germline. Affected: yes.

Mayo Clinic Laboratories, Mayo Clinic
Classification: Benign. Last evaluated: 2018-12-24. Review status: criteria provided, single submitter. Criteria: ACMG Guidelines, 2015. Collection method: clinical testing. Allele origin: germline. Observed: 16 variant alleles.

Ambry Genetics
Classification: Benign for Inborn genetic diseases. Last evaluated: 2016-05-02. Review status: criteria provided, single submitter. Criteria: Ambry Variant Classification Scheme 2023. Collection method: clinical testing. Allele origin: germline.

Breakthrough Genomics
Classification: Benign. Review status: criteria provided, single submitter. Criteria: ACMG Guidelines, 2015. Collection method: not provided. Allele origin: germline. Inheritance: Autosomal dominant inheritance. Affected: yes.

PreventionGenetics, part of Exact Sciences
Classification: Benign. Review status: criteria provided, single submitter. Criteria: ACMG Guidelines, 2015. Collection method: clinical testing. Allele origin: germline.

NM_001242896.3(DEPDC5):c.2742G>A (p.Glu914=)

Gene: DEPDC5 (DEP domain containing 5, GATOR1 subcomplex subunit; plus strand). Cytogenetic location: 22q12.3.
Variant type: single nucleotide variant.
Coding change: c.2742G>A on transcript NM_001242896.3 (MANE Select); coding-DNA position 2742, G replaced by A.
Protein change: p.Glu914=; no amino-acid change (glutamic acid 914 retained).
Molecular consequence: synonymous variant. On other transcripts: non-coding transcript variant (5).
Genome position (GRCh38, 1-based): chr22:31,843,753, G>A. VCF-style: chr22-31843753-G-A. GRCh37 (hg19) VCF-style: chr22-32239739-G-A.
Other names: p.Glu914=; c.2715G>A, p.Glu905= (NM_001136029.4, NM_001369903.1, NM_014662.6); c.2508G>A, p.Glu836= (NM_001242897.2, NM_001363854.2, NM_001364319.2); c.2742G>A, p.Glu914= (NM_001363852.2, NM_001364318.2, NM_001364320.2); c.2658G>A, p.Glu886= (NM_001369901.1, NM_001369902.1).
Identifiers: ClinVar variation 238677 (VCV000238677.36), dbSNP rs118001924, ClinGen allele CA10196791.